The following is an entry in ClinVar:

NM_006662.3(SRCAP):c.5677C>T (p.Arg1893Trp)

Gene: SRCAP (Snf2 related CREBBP activator protein; plus strand). Cytogenetic location: 16p11.2.
Variant type: single nucleotide variant.
Coding change: c.5677C>T on transcript NM_006662.3 (MANE Select); coding-DNA position 5677, C replaced by T.
Protein change: p.Arg1893Trp; replaces arginine 1893 with tryptophan.
Molecular consequence: missense variant.
Genome position (GRCh38, 1-based): chr16:30,728,984, C>T. VCF-style: chr16-30728984-C-T. GRCh37 (hg19) VCF-style: chr16-30740305-C-T.
Other names: short protein forms R1893W.
Identifiers: ClinVar variation 2627167 (VCV002627167.1), dbSNP rs1164531334, ClinGen allele CA395621105.

ClinVar aggregate classification (germline): Uncertain significance (1 of 4 stars; one submission).

Allele frequency attached by ClinVar (database versions not stated): gnomAD exomes below 0.00001; gnomAD 0.00001; TOPMed 0.00002.
gnomAD v4.1: 3 of 1,613,002 alleles (0.00019%); highest among the groups gnomAD compares: Non-Finnish European, 0.00025%; no homozygotes.

Submission:

Women's Health and Genetics/Laboratory Corporation of America, LabCorp
Classification: Uncertain significance. Last evaluated: 2023-09-08. Review status: criteria provided, single submitter. Criteria: LabCorp Variant Classification Summary - May 2015. Collection method: clinical testing. Allele origin: germline.
Comment: Variant summary: SRCAP c.5677C>T (p.Arg1893Trp) results in a non-conservative amino acid change in the encoded protein sequence. Four of five in-silico tools predict a damaging effect of the variant on protein function. The variant was absent in 250912 control chromosomes. The available data on variant occurrences in the general population are insufficient to allow any conclusion about variant significance. To our knowledge, no occurrence of c.5677C>T in individuals affected with Floating-Harbor Syndrome and no experimental evidence demonstrating its impact on protein function have been reported. No submitters have cited clinical-significance assessments for this variant to ClinVar after 2014. Based on the evidence outlined above, the variant was classified as uncertain significance.